The following is an entry in ClinVar:

NM_002615.7(SERPINF1):c.349_356dup (p.His119fs)

Gene: SERPINF1 (serpin family F member 1; plus strand). Cytogenetic location: 17p13.3.
Variant type: Duplication.
Coding change: c.349_356dup on transcript NM_002615.7 (MANE Select); coding-DNA positions 349 to 356, 8 bases duplicated (GACATCCA; older notation c.349_356dupGACATCCA).
Protein change: p.His119fs; shifts the reading frame from histidine 119.
Molecular consequence: frameshift variant. On other transcripts: 5 prime UTR variant (1).
Genome position (GRCh38, 1-based): chr17:1,771,094-1,771,101, GACATCCA duplicated; duplicating any 8 consecutive bases within chr17:1,771,091-1,771,101 gives the same sequence; the c. name uses the placement nearest the transcript's 3' end. VCF-style (leftmost placement, unchanged base first): chr17-1771090-C-CCCAGACAT. GRCh37 (hg19) VCF-style: chr17-1674384-C-CCCAGACAT.
Other names: c.349_356dup, p.His119fs (NM_001329903.2); c.-213_-206dup (NM_001329904.2); short protein forms H119fs.
Identifiers: ClinVar variation 1922504 (VCV001922504.5), dbSNP rs762554291, ClinGen allele CA8274652.
Genomic context (GRCh38, chr17:1,771,090, plus strand): 5'-AGCGGAGCAGCGAACAGAATCCATCATTCACCGGGCTCTCTACTATGACTTGATCAGCAG[C>CCCAGACAT]CCAGACATCCATGGTACCTATAAGGAGCTCCTTGACACGGTCACTGCCCCCCAGAAGAAC-3'

ClinVar aggregate classification (germline): Pathogenic (1 of 4 stars; one submission).

Submission:

Labcorp Genetics (formerly Invitae), Labcorp
Classification: Pathogenic. Last evaluated: 2024-10-21. Review status: criteria provided, single submitter. Criteria: Invitae Variant Classification Sherloc (09022015). Collection method: clinical testing. Allele origin: germline.
Comment: This sequence change creates a premature translational stop signal (p.His119Glnfs*35) in the SERPINF1 gene. It is expected to result in an absent or disrupted protein product. Loss-of-function variants in SERPINF1 are known to be pathogenic (PMID: 21353196, 21826736). This variant is present in population databases (rs762554291, gnomAD 0.003%). This variant has not been reported in the literature in individuals affected with SERPINF1-related conditions. ClinVar contains an entry for this variant (Variation ID: 1922504). For these reasons, this variant has been classified as Pathogenic.

Literature cited by the submitters: PubMed 21353196; PubMed 21826736.